The following is an entry in ClinVar:

ClinVar aggregate classification (germline): Uncertain significance (1 of 4 stars; one submission).

Allele frequency attached by ClinVar (database versions not stated): TOPMed 0.00002; gnomAD 0.00003; ESP Exome Variant Server 0.00009; ExAC 0.00047.
gnomAD v4.1: 100 of 1,551,266 alleles (0.0064%); highest among the groups gnomAD compares: Middle Eastern, 0.052%; no homozygotes.

Submission:

Labcorp Genetics (formerly Invitae), Labcorp
Classification: Uncertain significance. Last evaluated: 2022-02-25. Review status: criteria provided, single submitter. Criteria: Invitae Variant Classification Sherloc (09022015). Collection method: clinical testing. Allele origin: germline.
Comment: This sequence change replaces alanine, which is neutral and non-polar, with valine, which is neutral and non-polar, at codon 692 of the UNC45A protein (p.Ala692Val). This variant is present in population databases (rs150470311, gnomAD 0.06%). This variant has not been reported in the literature in individuals affected with UNC45A-related conditions. Experimental studies and prediction algorithms are not available or were not evaluated, and the functional significance of this variant is currently unknown. In summary, the available evidence is currently insufficient to determine the role of this variant in disease. Therefore, it has been classified as a Variant of Uncertain Significance.

NM_018671.5(UNC45A):c.2075C>T (p.Ala692Val)

Gene: UNC45A (unc-45 myosin chaperone A; plus strand). Cytogenetic location: 15q26.1.
Variant type: single nucleotide variant.
Coding change: c.2075C>T on transcript NM_018671.5 (MANE Select); coding-DNA position 2075, C replaced by T.
Protein change: p.Ala692Val; replaces alanine 692 with valine.
Molecular consequence: missense variant.
Genome position (GRCh38, 1-based): chr15:90,950,155, C>T. VCF-style: chr15-90950155-C-T. GRCh37 (hg19) VCF-style: chr15-91493385-C-T.
Other names: c.2030C>T, p.Ala677Val (NM_001039675.2, NM_001323621.2); c.2075C>T, p.Ala692Val (NM_001323619.1); c.1640C>T, p.Ala547Val (NM_001323620.2); short protein forms A677V, A692V, A547V.
Identifiers: ClinVar variation 2138405 (VCV002138405.1), dbSNP rs150470311, ClinGen allele CA7743186.